The following is an entry in ClinVar:

NM_005918.4(MDH2):c.250G>A (p.Glu84Lys)

Gene: MDH2 (malate dehydrogenase 2; plus strand). Cytogenetic location: 7q11.23.
Variant type: single nucleotide variant.
Coding change: c.250G>A on transcript NM_005918.4 (MANE Select); coding-DNA position 250, G replaced by A.
Protein change: p.Glu84Lys; replaces glutamic acid 84 with lysine.
Molecular consequence: missense variant. On other transcripts: 5 prime UTR variant (1).
Genome position (GRCh38, 1-based): chr7:76,057,424, G>A. VCF-style: chr7-76057424-G-A. GRCh37 (hg19) VCF-style: chr7-75686742-G-A.
Other names: c.250G>A, p.Glu84Lys (NM_001282403.2); c.-72G>A (NM_001282404.2); short protein forms E84K.
Identifiers: ClinVar variation 1792374 (VCV001792374.2), dbSNP rs2535857806, ClinGen allele CA367763307.

ClinVar aggregate classification (germline): Uncertain significance (1 of 4 stars; one submission).

Conditions:
Inborn genetic diseases. Identifiers: MedGen C0950123, MeSH D030342.

gnomAD v4.1: 6 of 1,614,184 alleles (0.00037%); highest among the groups gnomAD compares: Non-Finnish European, 0.00051%; no homozygotes.

Submission:

Ambry Genetics
Classification: Uncertain significance for Inborn genetic diseases. Last evaluated: 2021-09-02. Review status: criteria provided, single submitter. Criteria: Ambry Variant Classification Scheme 2023. Collection method: clinical testing. Allele origin: germline.
Comment: The p.E84K variant (also known as c.250G>A), located in coding exon 3 of the MDH2 gene, results from a G to A substitution at nucleotide position 250. The glutamic acid at codon 84 is replaced by lysine, an amino acid with similar properties. This amino acid position is conserved. In addition, this alteration is predicted to be tolerated by in silico analysis. Since supporting evidence is limited at this time, the clinical significance of this alteration remains unclear.